The following is an entry in ClinVar:

NM_024426.6(WT1):c.1016A>G (p.Asn339Ser)

Gene: WT1 (WT1 transcription factor; minus strand). Cytogenetic location: 11p13.
Variant type: single nucleotide variant.
Coding change: c.1016A>G on transcript NM_024426.6 (MANE Select); coding-DNA position 1016, A replaced by G.
Protein change: p.Asn339Ser; replaces asparagine 339 with serine.
Molecular consequence: missense variant. On other transcripts: non-coding transcript variant (1), intron variant (6).
Genome position (GRCh38, 1-based): chr11:32,416,490, T>C on the plus strand (A>G on the coding strand, the complement: WT1 is on the minus strand). VCF-style: chr11-32416490-T-C. GRCh37 (hg19) VCF-style: chr11-32438036-T-C.
Other names: c.365A>G, p.Asn122Ser (NM_001198551.2); c.1016A>G, p.Asn339Ser (NM_001407044.1, NM_001407046.1, NM_024424.5); c.893A>G, p.Asn298Ser (NM_001407047.1); c.254A>G, p.Asn85Ser (NM_001407051.1); c.842+1087A>G (NM_001407050.1); c.965+1087A>G (NM_001407048.1, NM_001407049.1, NM_000378.6 and 1 more transcripts); c.314+1087A>G (NM_001198552.2); short protein forms N122S, N334S, N339S, N85S, N298S.
Identifiers: ClinVar variation 2950081 (VCV002950081.3), dbSNP rs2494361939, ClinGen allele CA379961643.
Genomic context (GRCh38, chr11:32,416,490, plus strand): 5'-CAGGTGCCAGTCAGCAAGGCCTACGCCATTTGCTTTGCCATCTCCGCATTGTCCACTCAC[T>C]TGCTCTGCCCTTCTGTCCATTTCACTGAGCTGGAGCTCCCAGCAGCAACTCTAGAAAAGA-3'
Protein context (NP_077744.4, residues 329-349): SSVKWTEGQS[Asn339Ser]HSTGYESDNH

ClinVar aggregate classification (germline): Uncertain significance (1 of 4 stars; one submission).

Conditions:
Frasier syndrome. Identifiers: Orphanet 347, MedGen C0950122, MeSH D052159, MONDO:0007635, OMIM 136680.
Drash syndrome (DDS). Also called: NEPHROPATHY, WILMS TUMOR, AND GENITAL ANOMALIES; WILMS TUMOR AND PSEUDO- OR TRUE HERMAPHRODITISM. Identifiers: Orphanet 220, MedGen C0950121, MONDO:0008682, OMIM 194080.
Wilms tumor 1 (WT1). Also called: Wilms tumor, somatic. Identifiers: Orphanet 654, MedGen CN033288, MONDO:0008679, OMIM 194070.
11p partial monosomy syndrome (WAGR). Also called: CHROMOSOME 11p13 DELETION SYNDROME; WAGR syndrome; WAGR Complex; WAGR Spectrum Disorder. Identifiers: Orphanet 893, MedGen C0206115, MONDO:0008681, OMIM 194072.

Submission:

Labcorp Genetics (formerly Invitae), Labcorp
Classification: Uncertain significance for Wilms tumor 1; Drash syndrome; 11p partial monosomy syndrome; Frasier syndrome. Last evaluated: 2023-07-31. Review status: criteria provided, single submitter. Criteria: Invitae Variant Classification Sherloc (09022015). Collection method: clinical testing. Allele origin: germline.
Comment: In summary, the available evidence is currently insufficient to determine the role of this variant in disease. Therefore, it has been classified as a Variant of Uncertain Significance. Algorithms developed to predict the effect of sequence changes on RNA splicing suggest that this variant may create or strengthen a splice site. An algorithm developed to predict the effect of missense changes on protein structure and function (PolyPhen-2) suggests that this variant is likely to be tolerated. This variant has not been reported in the literature in individuals affected with WT1-related conditions. This variant is not present in population databases (gnomAD no frequency). This sequence change replaces asparagine, which is neutral and polar, with serine, which is neutral and polar, at codon 334 of the WT1 protein (p.Asn334Ser).